The following is an entry in ClinVar:

NM_000444.6(PHEX):c.1496A>G (p.Glu499Gly)

Gene: PHEX (phosphate regulating endopeptidase X-linked; plus strand). Cytogenetic location: Xp22.11.
Variant type: single nucleotide variant.
Coding change: c.1496A>G on transcript NM_000444.6 (MANE Select); coding-DNA position 1496, A replaced by G.
Protein change: p.Glu499Gly; replaces glutamic acid 499 with glycine.
Molecular consequence: missense variant.
Genome position (GRCh38, 1-based): chrX:22,178,286, A>G. VCF-style: chrX-22178286-A-G. GRCh37 (hg19) VCF-style: chrX-22196403-A-G.
Other names: c.1496A>G, p.Glu499Gly (NM_001282754.2); short protein forms E499G.
Identifiers: ClinVar variation 4057087 (VCV004057087.1).

ClinVar aggregate classification (germline): Uncertain significance (1 of 4 stars; one submission).

Submission:

GeneDx
Classification: Uncertain significance. Last evaluated: 2025-01-10. Review status: criteria provided, single submitter. Criteria: GeneDx Variant Classification Process June 2021. Collection method: clinical testing. Allele origin: germline. Affected: yes.
Comment: Not observed at significant frequency in large population cohorts (gnomAD); In silico analysis supports that this missense variant has a deleterious effect on protein structure/function; Has not been previously published as pathogenic or benign to our knowledge